The following is an entry in ClinVar:

ClinVar aggregate classification (germline): Uncertain significance (1 of 4 stars; one submission).

Allele frequency attached by ClinVar (database versions not stated): gnomAD exomes below 0.00001; TOPMed below 0.00001; ExAC 0.00001.
gnomAD v4.1: 2 of 1,614,078 alleles (0.00012%); highest among the groups gnomAD compares: Admixed American, 0.0033%; no homozygotes.

Submission:

Labcorp Genetics (formerly Invitae), Labcorp
Classification: Uncertain significance. Last evaluated: 2022-08-10. Review status: criteria provided, single submitter. Criteria: Invitae Variant Classification Sherloc (09022015). Collection method: clinical testing. Allele origin: germline.
Comment: This sequence change replaces lysine, which is basic and polar, with glutamic acid, which is acidic and polar, at codon 1727 of the ABCA12 protein (p.Lys1727Glu). This variant is present in population databases (rs775297820, gnomAD 0.003%). This variant has not been reported in the literature in individuals affected with ABCA12-related conditions. Algorithms developed to predict the effect of missense changes on protein structure and function (SIFT, PolyPhen-2, Align-GVGD) all suggest that this variant is likely to be disruptive. In summary, the available evidence is currently insufficient to determine the role of this variant in disease. Therefore, it has been classified as a Variant of Uncertain Significance.

NM_173076.3(ABCA12):c.5179A>G (p.Lys1727Glu)

Gene: ABCA12 (ATP binding cassette subfamily A member 12; minus strand). Cytogenetic location: 2q35.
Variant type: single nucleotide variant.
Coding change: c.5179A>G on transcript NM_173076.3 (MANE Select); coding-DNA position 5179, A replaced by G.
Protein change: p.Lys1727Glu; replaces lysine 1727 with glutamic acid.
Molecular consequence: missense variant. On other transcripts: non-coding transcript variant (1).
Genome position (GRCh38, 1-based): chr2:214,975,987, T>C on the plus strand (A>G on the coding strand, the complement: ABCA12 is on the minus strand). VCF-style: chr2-214975987-T-C. GRCh37 (hg19) VCF-style: chr2-215840711-T-C.
Other names: c.4225A>G, p.Lys1409Glu (NM_015657.4); short protein forms K1727E, K1409E.
Identifiers: ClinVar variation 1928661 (VCV001928661.2), dbSNP rs775297820, ClinGen allele CA2091284.
Genomic context (GRCh38, chr2:214,975,987, plus strand): 5'-GACCTTTCCAGTTCCTGCGGGTGTGGTGGAACCTCTTGATGAGTATAGCCATGATCTTCT[T>C]CAGCAACAGTCCAAAGCCATCCAGCCTCTCTCCTCTTGTCAGGATTTTGTCTGATTAAGA-3'
Protein context (NP_775099.2, residues 1717-1737): ERLDGFGLLL[Lys1727Glu]KIMAILIKRF